The following is an entry in ClinVar:

NM_004655.4(AXIN2):c.1093G>C (p.Val365Leu)

Gene: AXIN2 (axin 2; minus strand). Cytogenetic location: 17q24.1.
Variant type: single nucleotide variant.
Coding change: c.1093G>C on transcript NM_004655.4 (MANE Select); coding-DNA position 1093, G replaced by C.
Protein change: p.Val365Leu; replaces valine 365 with leucine.
Molecular consequence: missense variant.
Genome position (GRCh38, 1-based): chr17:65,538,310, C>G on the plus strand (G>C on the coding strand, the complement: AXIN2 is on the minus strand). VCF-style: chr17-65538310-C-G. GRCh37 (hg19) VCF-style: chr17-63534428-C-G.
Other names: c.1093G>C, p.Val365Leu (NM_001363813.1); short protein forms V365L.
Identifiers: ClinVar variation 940348 (VCV000940348.14), dbSNP rs761901627, ClinGen allele CA8718861.

ClinVar aggregate classification (germline): Uncertain significance. Review status: criteria provided, multiple submitters, no conflicts (2 of 4 stars). 3 submissions from 3 submitters: Uncertain significance (3). Last evaluated 2024-11-26.

Conditions:
Hereditary cancer-predisposing syndrome. Also called: Hereditary neoplastic syndrome; Neoplastic Syndromes, Hereditary; Hereditary Cancer Syndrome; Tumor predisposition. Identifiers: Orphanet 140162, MedGen C0027672, MeSH D009386, MONDO:0015356.
Oligodontia-cancer predisposition syndrome. Also called: TOOTH AGENESIS-COLORECTAL CANCER SYNDROME. Identifiers: Orphanet 300576, MedGen C1837750, MONDO:0012075, OMIM 608615. Disease mechanism: loss of function.

Allele frequency attached by ClinVar (database versions not stated): ExAC 0.00005.
gnomAD v4.1: 21 of 1,614,172 alleles (0.0013%); highest among the groups gnomAD compares: Non-Finnish European, 0.0015%; no homozygotes.

Submissions (3):

Labcorp Genetics (formerly Invitae), Labcorp
Classification: Uncertain significance for Oligodontia-cancer predisposition syndrome. Last evaluated: 2024-11-26. Review status: criteria provided, single submitter. Criteria: Invitae Variant Classification Sherloc (09022015). Collection method: clinical testing. Allele origin: germline.
Comment: This sequence change replaces valine, which is neutral and non-polar, with leucine, which is neutral and non-polar, at codon 365 of the AXIN2 protein (p.Val365Leu). This variant is present in population databases (rs761901627, gnomAD 0.009%). This variant has not been reported in the literature in individuals affected with AXIN2-related conditions. ClinVar contains an entry for this variant (Variation ID: 940348). Invitae Evidence Modeling of protein sequence and biophysical properties (such as structural, functional, and spatial information, amino acid conservation, physicochemical variation, residue mobility, and thermodynamic stability) indicates that this missense variant is not expected to disrupt AXIN2 protein function with a negative predictive value of 80%. In summary, the available evidence is currently insufficient to determine the role of this variant in disease. Therefore, it has been classified as a Variant of Uncertain Significance.

Ambry Genetics
Classification: Uncertain significance for Hereditary cancer-predisposing syndrome. Last evaluated: 2024-06-03. Review status: criteria provided, single submitter. Criteria: Ambry Variant Classification Scheme 2023. Collection method: clinical testing. Allele origin: germline.
Comment: The p.V365L variant (also known as c.1093G>C), located in coding exon 4 of the AXIN2 gene, results from a G to C substitution at nucleotide position 1093. The valine at codon 365 is replaced by leucine, an amino acid with highly similar properties. This amino acid position is well conserved in available vertebrate species. In addition, the in silico prediction for this alteration is inconclusive. Since supporting evidence is limited at this time, the clinical significance of this alteration remains unclear.

GeneDx
Classification: Uncertain significance. Last evaluated: 2023-09-07. Review status: criteria provided, single submitter. Criteria: GeneDx Variant Classification Process June 2021. Collection method: clinical testing. Allele origin: germline.
Comment: In silico analysis supports that this missense variant does not alter protein structure/function; Has not been previously published as pathogenic or benign to our knowledge; This variant is associated with the following publications: (PMID: 15735151)